The following is an entry in ClinVar:

NM_006361.6(HOXB13):c.377A>G (p.Glu126Gly)

Gene: HOXB13 (homeobox B13; minus strand). Cytogenetic location: 17q21.32.
Variant type: single nucleotide variant.
Coding change: c.377A>G on transcript NM_006361.6 (MANE Select); coding-DNA position 377, A replaced by G.
Protein change: p.Glu126Gly; replaces glutamic acid 126 with glycine.
Molecular consequence: missense variant.
Genome position (GRCh38, 1-based): chr17:48,728,217, T>C on the plus strand (A>G on the coding strand, the complement: HOXB13 is on the minus strand). VCF-style: chr17-48728217-T-C. GRCh37 (hg19) VCF-style: chr17-46805579-T-C.
Other names: short protein forms E126G.
Identifiers: ClinVar variation 4271772 (VCV004271772.1).

ClinVar aggregate classification (germline): Uncertain significance (1 of 4 stars; one submission).

Conditions:
Hereditary cancer-predisposing syndrome. Also called: Hereditary Cancer Syndrome; Hereditary neoplastic syndrome; Neoplastic Syndromes, Hereditary; Tumor predisposition. Identifiers: Orphanet 140162, MedGen C0027672, MeSH D009386, MONDO:0015356.

Submission:

Ambry Genetics
Classification: Uncertain significance for Hereditary cancer-predisposing syndrome. Last evaluated: 2025-07-03. Review status: criteria provided, single submitter. Criteria: Ambry Variant Classification Scheme 2023. Collection method: clinical testing. Allele origin: germline.
Comment: The p.E126G variant (also known as c.377A>G), located in coding exon 1 of the HOXB13 gene, results from an A to G substitution at nucleotide position 377. The glutamic acid at codon 126 is replaced by glycine, an amino acid with similar properties. This amino acid position is conserved. In addition, this alteration is predicted to be deleterious by in silico analysis. Based on the available evidence, the clinical significance of this variant remains unclear.